The following is an entry in ClinVar:

ClinVar aggregate classification (germline): Uncertain significance (1 of 4 stars; one submission).

Conditions:
Congenital myotonia, autosomal dominant form (THD). Also called: THOMSEN DISEASE; Myotonia congenita autosomal dominant. Identifiers: Orphanet 614, MedGen C2936781, MONDO:0008055, OMIM 160800.
Congenital myotonia, autosomal recessive form. Also called: BECKER DISEASE; Becker Generalized Myotonia; myotonia congenita, autosomal recessive. Identifiers: Orphanet 614, MedGen C0751360, MONDO:0009715, OMIM 255700.

Allele frequency attached by ClinVar (database versions not stated): ExAC 0.00001; gnomAD 0.00001; gnomAD exomes 0.00001; 1000 Genomes Project 30x 0.00016.
gnomAD v4.1: 7 of 1,582,016 alleles (0.00044%); highest among the groups gnomAD compares: East Asian, 0.016%; no homozygotes.

Submission:

Labcorp Genetics (formerly Invitae), Labcorp
Classification: Uncertain significance for Congenital myotonia, autosomal recessive form; Congenital myotonia, autosomal dominant form. Last evaluated: 2024-01-06. Review status: criteria provided, single submitter. Criteria: Invitae Variant Classification Sherloc (09022015). Collection method: clinical testing. Allele origin: germline.
Comment: This sequence change replaces alanine, which is neutral and non-polar, with glycine, which is neutral and non-polar, at codon 50 of the CLCN1 protein (p.Ala50Gly). This variant is present in population databases (rs763907395, gnomAD 0.006%). This variant has not been reported in the literature in individuals affected with CLCN1-related conditions. Advanced modeling of protein sequence and biophysical properties (such as structural, functional, and spatial information, amino acid conservation, physicochemical variation, residue mobility, and thermodynamic stability) performed at Invitae indicates that this missense variant is not expected to disrupt CLCN1 protein function with a negative predictive value of 95%. In summary, the available evidence is currently insufficient to determine the role of this variant in disease. Therefore, it has been classified as a Variant of Uncertain Significance.

NM_000083.3(CLCN1):c.149C>G (p.Ala50Gly)

Gene: CLCN1 (chloride voltage-gated channel 1; plus strand). Cytogenetic location: 7q34.
Variant type: single nucleotide variant.
Coding change: c.149C>G on transcript NM_000083.3 (MANE Select); coding-DNA position 149, C replaced by G.
Protein change: p.Ala50Gly; replaces alanine 50 with glycine.
Molecular consequence: missense variant. On other transcripts: non-coding transcript variant (1).
Genome position (GRCh38, 1-based): chr7:143,316,361, C>G. VCF-style: chr7-143316361-C-G. GRCh37 (hg19) VCF-style: chr7-143013454-C-G.
Other names: short protein forms A50G.
Identifiers: ClinVar variation 2934328 (VCV002934328.3), dbSNP rs763907395, ClinGen allele CA4536833.